The following is an entry in ClinVar:

ClinVar aggregate classification (germline): Uncertain significance (1 of 4 stars; one submission).

Submission:

Labcorp Genetics (formerly Invitae), Labcorp
Classification: Uncertain significance. Last evaluated: 2022-11-01. Review status: criteria provided, single submitter. Criteria: Invitae Variant Classification Sherloc (09022015). Collection method: clinical testing. Allele origin: germline.
Comment: Algorithms developed to predict the effect of missense changes on protein structure and function are either unavailable or do not agree on the potential impact of this missense change (SIFT: "Deleterious"; PolyPhen-2: "Possibly Damaging"; Align-GVGD: "Class C0"). ClinVar contains an entry for this variant (Variation ID: 1366145). This variant has not been reported in the literature in individuals affected with AHDC1-related conditions. This variant is not present in population databases (gnomAD no frequency). In summary, the available evidence is currently insufficient to determine the role of this variant in disease. Therefore, it has been classified as a Variant of Uncertain Significance. This sequence change replaces aspartic acid, which is acidic and polar, with valine, which is neutral and non-polar, at codon 997 of the AHDC1 protein (p.Asp997Val).

NM_001371928.1(AHDC1):c.2990A>T (p.Asp997Val)

Gene: AHDC1 (AT-hook DNA binding motif containing 1; minus strand). Cytogenetic location: 1p36.11.
Variant type: single nucleotide variant.
Coding change: c.2990A>T on transcript NM_001371928.1 (MANE Select); coding-DNA position 2990, A replaced by T.
Protein change: p.Asp997Val; replaces aspartic acid 997 with valine.
Molecular consequence: missense variant.
Genome position (GRCh38, 1-based): chr1:27,549,126, T>A on the plus strand (A>T on the coding strand, the complement: AHDC1 is on the minus strand). VCF-style: chr1-27549126-T-A. GRCh37 (hg19) VCF-style: chr1-27875637-T-A.
Other names: c.2990A>T, p.Asp997Val (NM_001029882.3); short protein forms D997V.
Identifiers: ClinVar variation 1366145 (VCV001366145.8), dbSNP rs2148272362, ClinGen allele CA339228771.